The following is an entry in ClinVar:

ClinVar aggregate classification (germline): Likely benign (1 of 4 stars; one submission).

Allele frequency attached by ClinVar (database versions not stated): gnomAD exomes below 0.00001.
gnomAD v4.1: 2 of 1,450,764 alleles (0.00014%); highest among the groups gnomAD compares: Non-Finnish European, 0.00009%; no homozygotes.

Submission:

CeGaT Center for Human Genetics Tuebingen
Classification: Likely benign. Last evaluated: 2024-03-01. Review status: criteria provided, single submitter. Criteria: CeGaT Center For Human Genetics Tuebingen Variant Classification Criteria Version 2. Collection method: clinical testing. Allele origin: germline. Affected: yes. Observed: 1 variant allele.
Comment: ARID1B: BP4, BP7

NM_001374828.1(ARID1B):c.756C>T (p.Gly252=)

Genes: ARID1B (AT-rich interaction domain 1B; plus strand), LOC115308161 (uncharacterized LOC115308161; minus strand), LOC129997525 (ATAC-STARR-seq lymphoblastoid silent region 17712; plus strand). Cytogenetic location: 6q25.3.
Variant type: single nucleotide variant.
Coding change: c.756C>T on transcript NM_001374828.1 (MANE Select); coding-DNA position 756, C replaced by T.
Protein change: p.Gly252=; no amino-acid change (glycine 252 retained).
Molecular consequence: synonymous variant. On other transcripts: non-coding transcript variant (1).
Genome position (GRCh38, 1-based): chr6:156,778,436, C>T. VCF-style: chr6-156778436-C-T. GRCh37 (hg19) VCF-style: chr6-157099570-C-T.
Other names: c.507C>T, p.Gly169= (NM_001346813.1, NM_020732.3); c.756C>T, p.Gly252= (NM_001371656.1, NM_001374820.1, NM_017519.3); c.333C>T, p.Gly111= (NM_175863.2).
Identifiers: ClinVar variation 3067386 (VCV003067386.21), dbSNP rs1455669525, ClinGen allele CA452989484.
Genomic context (GRCh38, chr6:156,778,436, plus strand): 5'-GCCCGGCCCCGACATGGAGCAGCCGCAACATGGAGGCGCCAAGGACAGTGCTGCGGGCGG[C>T]CAGGCCGACCCCCCGGGCCCGCCGCTGCTGAGCAAGCCGGGCGACGAGGACGACGCGCCG-3'
Protein context (NP_001361757.1, residues 242-262): HGGAKDSAAG[Gly252=]QADPPGPPLL